The following is an entry in ClinVar:

NM_001368397.1(FRMPD4):c.2221T>C (p.Tyr741His)

Gene: FRMPD4 (FERM and PDZ domain containing 4; plus strand). Cytogenetic location: Xp22.2.
Variant type: single nucleotide variant.
Coding change: c.2221T>C on transcript NM_001368397.1 (MANE Select); coding-DNA position 2221, T replaced by C.
Protein change: p.Tyr741His; replaces tyrosine 741 with histidine.
Molecular consequence: missense variant.
Genome position (GRCh38, 1-based): chrX:12,716,680, T>C. VCF-style: chrX-12716680-T-C. GRCh37 (hg19) VCF-style: chrX-12734799-T-C.
Other names: c.2332T>C, p.Tyr778His (NM_001368395.3, NM_001368398.3); c.2227T>C, p.Tyr743His (NM_001368396.3); c.2212T>C, p.Tyr738His (NM_001368399.3); c.2101T>C, p.Tyr701His (NM_001368400.3); c.2197T>C, p.Tyr733His (NM_001368401.1, NM_001368402.3); c.2221T>C, p.Tyr741His (NM_014728.3); short protein forms Y701H, Y733H, Y738H, Y741H, Y743H, Y778H.
Identifiers: ClinVar variation 2504210 (VCV002504210.1), dbSNP rs2519850501, ClinGen allele CA412311266.
Genomic context (GRCh38, chrX:12,716,680, plus strand): 5'-GATGTGAAGAGCTTCCAGGCCGCGGAGGGGATCGAGGAACCCCTCTTGCATGACATCTGT[T>C]ATGCAGAAAACACTGATGACGCGGAGGACGAGGACGAGGTGAGCTGCGAGGAGGACCTCG-3'
Protein context (NP_001355326.1, residues 731-751): IEEPLLHDIC[Tyr741His]AENTDDAEDE

ClinVar aggregate classification (germline): Uncertain significance (1 of 4 stars; one submission).

Submission:

GeneDx
Classification: Uncertain significance. Last evaluated: 2022-11-30. Review status: criteria provided, single submitter. Criteria: GeneDx Variant Classification Process June 2021. Collection method: clinical testing. Allele origin: germline. Affected: yes.
Comment: Not observed at significant frequency in large population cohorts (gnomAD); In silico analysis supports that this missense variant does not alter protein structure/function; Has not been previously published as pathogenic or benign to our knowledge